The following is an entry in ClinVar:

ClinVar aggregate classification (germline): Uncertain significance (1 of 4 stars; one submission).

Submission:

CeGaT Center for Human Genetics Tuebingen
Classification: Uncertain significance. Last evaluated: 2022-03-01. Review status: criteria provided, single submitter. Criteria: CeGaT Center For Human Genetics Tuebingen Variant Classification Criteria Version 2. Collection method: clinical testing. Allele origin: germline. Affected: yes. Observed: 1 variant allele.
Comment: FGF8: PM2

NM_033163.5(FGF8):c.79G>C (p.Gly27Arg)

Gene: FGF8 (fibroblast growth factor 8; minus strand). Cytogenetic location: 10q24.32.
Variant type: single nucleotide variant.
Coding change: c.79G>C on transcript NM_033163.5 (MANE Select); coding-DNA position 79, G replaced by C.
Protein change: p.Gly27Arg; replaces glycine 27 with arginine.
Molecular consequence: missense variant. On other transcripts: intron variant (3).
Genome position (GRCh38, 1-based): chr10:101,775,207, C>G on the plus strand (G>C on the coding strand, the complement: FGF8 is on the minus strand). VCF-style: chr10-101775207-C-G. GRCh37 (hg19) VCF-style: chr10-103534964-C-G.
Other names: c.70-295G>C (NM_006119.6); c.79G>C, p.Gly27Arg (NM_033164.4); c.-123-328G>C (NM_001206389.2); c.70-328G>C (NM_033165.5); short protein forms G27R.
Identifiers: ClinVar variation 2640773 (VCV002640773.24), dbSNP rs2065073232, ClinGen allele CA377838414.